The following is an entry in ClinVar:

NM_138691.3(TMC1):c.1728C>G (p.Asn576Lys)

Gene: TMC1 (transmembrane channel like 1; plus strand). Cytogenetic location: 9q21.13.
Variant type: single nucleotide variant.
Coding change: c.1728C>G on transcript NM_138691.3 (MANE Select); coding-DNA position 1728, C replaced by G.
Protein change: p.Asn576Lys; replaces asparagine 576 with lysine.
Molecular consequence: missense variant.
Genome position (GRCh38, 1-based): chr9:72,816,175, C>G. VCF-style: chr9-72816175-C-G. GRCh37 (hg19) VCF-style: chr9-75431091-C-G.
Other names: short protein forms N576K.
Identifiers: ClinVar variation 560915 (VCV000560915.2), dbSNP rs761261855, ClinGen allele CA373668346.
Genomic context (GRCh38, chr9:72,816,175, plus strand): 5'-AATCCAATGAACATTGTGTCTCCTCTAGCCTTCATACACCGAATTCGACATCAGTGGCAA[C>G]GTCCTCGCTCTGATCTTCAACCAAGGCATGATCTGGTAGGCCAGCTGTTGGACAGCTTAT-3'
Protein context (NP_619636.2, residues 566-586): PSYTEFDISG[Asn576Lys]VLALIFNQGM

ClinVar aggregate classification (germline): Pathogenic/Likely pathogenic. Review status: no assertion criteria provided (0 of 4 stars). 2 submissions from 2 submitters: Pathogenic (1); Likely pathogenic (1). Last evaluated 2018-09-10.

Conditions:
Deafness. Identifiers: MedGen C0011053, HP:0000365.
Hearing loss, autosomal recessive. Also called: Rare autosomal recessive non-syndromic sensorineural deafness type DFNB; Nonsyndromic Hearing Loss, Recessive; Deafness, autosomal recessive; Autosomal recessive nonsyndromic deafness. Identifiers: Orphanet 90635, Orphanet 90636, MedGen C1846647, MONDO:0019588, OMIM 607197.

Submissions (2):

Center for Statistical Genetics, Columbia University
Classification: Pathogenic for Deafness. Last evaluated: 2018-09-10. Review status: no assertion criteria provided. Collection method: research. Allele origin: inherited. Affected: yes.
Comment: Autosomal recessive

University of Washington Center for Mendelian Genomics, University of Washington
Classification: Likely pathogenic for non-syndromic autosomal recessive hearing loss. Review status: no assertion criteria provided. Collection method: research. Allele origin: inherited. Affected: yes.

Literature cited by the submitters: PubMed 30303587 (cited by University of Washington Center for Mendelian Genomics, University of Washington).